The following is an entry in ClinVar:

NM_001194.4(HCN2):c.1279T>C (p.Cys427Arg)

Gene: HCN2 (hyperpolarization activated cyclic nucleotide gated potassium and sodium channel 2; plus strand). Cytogenetic location: 19p13.3.
Variant type: single nucleotide variant.
Coding change: c.1279T>C on transcript NM_001194.4 (MANE Select); coding-DNA position 1279, T replaced by C.
Protein change: p.Cys427Arg; replaces cysteine 427 with arginine.
Molecular consequence: missense variant.
Genome position (GRCh38, 1-based): chr19:608,024, T>C. VCF-style: chr19-608024-T-C. GRCh37 (hg19) VCF-style: chr19-608024-T-C.
Other names: short protein forms C427R.
Identifiers: ClinVar variation 3364395 (VCV003364395.1).

ClinVar aggregate classification (germline): Uncertain significance (1 of 4 stars; one submission).

Submission:

GeneDx
Classification: Uncertain significance. Last evaluated: 2023-11-18. Review status: criteria provided, single submitter. Criteria: GeneDx Variant Classification Process June 2021. Collection method: clinical testing. Allele origin: germline. Affected: yes.
Comment: Not observed at significant frequency in large population cohorts (gnomAD); In silico analysis supports that this missense variant has a deleterious effect on protein structure/function; Has not been previously published as pathogenic or benign to our knowledge